The following is an entry in ClinVar:

NM_015205.3(ATP11A):c.*39G>A

Gene: ATP11A (ATPase phospholipid transporting 11A; plus strand). Cytogenetic location: 13q34.
Variant type: single nucleotide variant.
Coding change: c.*39G>A on transcript NM_015205.3 (MANE Select); 39 bases downstream of the stop codon, G replaced by A.
Molecular consequence: 3 prime UTR variant. On other transcripts: synonymous variant (3).
Genome position (GRCh38, 1-based): chr13:112,881,905, G>A. VCF-style: chr13-112881905-G-A. GRCh37 (hg19) VCF-style: chr13-113536219-G-A.
Other names: c.3420G>A, p.Ser1140= (NM_001405661.1); c.3357G>A, p.Ser1119= (NM_001405662.1); c.*41G>A (NM_001405663.1); c.3417G>A, p.Ser1139= (NM_032189.4).
Identifiers: ClinVar variation 4981823 (VCV004981823.1).

ClinVar aggregate classification (germline): Likely benign (1 of 4 stars; one submission).

Conditions:
ATP11A-related disorder. Also called: ATP11A-related condition.

gnomAD v4.1: 159 of 1,367,554 alleles (0.012%); highest among the groups gnomAD compares: Non-Finnish European, 0.014%; no homozygotes.

Submission:

PreventionGenetics, part of Exact Sciences
Classification: Likely benign for ATP11A-related condition. Last evaluated: 2026-08-03. Review status: criteria provided, single submitter. Criteria: ACMG Guidelines, 2015. Collection method: clinical testing. Allele origin: germline.
Comment: This variant is classified as likely benign based on ACMG/AMP sequence variant interpretation guidelines (Richards et al. 2015 PMID: 25741868, with internal and published modifications).